The following is an entry in ClinVar:

ClinVar aggregate classification (germline): Uncertain significance. Review status: criteria provided, multiple submitters, no conflicts (2 of 4 stars). 3 submissions from 3 submitters: Uncertain significance (3). Last evaluated 2022-06-15.

Allele frequency attached by ClinVar (database versions not stated): gnomAD exomes 0.00001 and 0.00002; ExAC 0.00003; gnomAD 0.00003; TOPMed 0.00003; ESP Exome Variant Server 0.00008.
gnomAD v4.1: 39 of 1,613,308 alleles (0.0024%); highest among the groups gnomAD compares: Non-Finnish European, 0.0031%; no homozygotes.

Submissions (3):

Revvity Omics, Revvity
Classification: Uncertain significance. Last evaluated: 2022-06-15. Review status: criteria provided, single submitter. Criteria: ACMG Guidelines, 2015. Collection method: clinical testing. Allele origin: germline.

Eurofins Ntd Llc (ga)
Classification: Uncertain significance. Last evaluated: 2017-03-20. Review status: criteria provided, single submitter. Criteria: EGL Classification Definitions 2015. Collection method: clinical testing. Allele origin: germline. Observed: 1 variant allele, 1 heterozygote.

GeneDx
Classification: Uncertain significance. Last evaluated: 2014-06-19. Review status: criteria provided, single submitter. Criteria: GeneDx Variant Classification (06012015). Collection method: clinical testing. Allele origin: germline. Affected: yes.
Comment: Missense variants in the TTN gene are considered 'unclassified' if they are not previously reported in the literature and do not have >1% frequency in the population to be considered a polymorphism. Research indicates that truncating mutations in the TTN gene are expected to account for approximately 25% of familial and 18% of sporadic idiopathic DCM; however, truncating variants in the TTN gene have been reported in approximately 3% of reported control alleles. There has been little investigation into non-truncating variants. (Herman D et al. Truncations of titin causing dilated cardiomyopathy. N Eng J Med 366:619-628, 2012) The variant is found in DCM-CRDM panel(s).

NM_001267550.2(TTN):c.78020T>C (p.Met26007Thr)

Genes: TTN (titin; minus strand), TTN-AS1 (TTN antisense RNA 1; plus strand). Cytogenetic location: 2q31.2.
Variant type: single nucleotide variant.
Coding change: c.78020T>C on transcript NM_001267550.2 (MANE Select); coding-DNA position 78020, T replaced by C.
Protein change: p.Met26007Thr; replaces methionine 26007 with threonine.
Molecular consequence: missense variant.
Genome position (GRCh38, 1-based): chr2:178,568,112, A>G on the plus strand (T>C on the coding strand, the complement: TTN is on the minus strand). VCF-style: chr2-178568112-A-G. GRCh37 (hg19) VCF-style: chr2-179432839-A-G.
Other names: p.M24366T:ATG>ACG; c.73097T>C, p.Met24366Thr (NM_001256850.1); c.50825T>C, p.Met16942Thr (NM_003319.4); c.70316T>C, p.Met23439Thr (NM_133378.4); c.51200T>C, p.Met17067Thr (NM_133432.3); c.51401T>C, p.Met17134Thr (NM_133437.4); short protein forms M24366T, M26007T, M23439T, M17134T, M17067T, M16942T.
Identifiers: ClinVar variation 202884 (VCV000202884.9), dbSNP rs372188921, ClinGen allele CA310584.